The following is an entry in ClinVar:

NM_000096.4(CP):c.548T>C (p.Ile183Thr)

Gene: CP (ceruloplasmin; minus strand). Cytogenetic location: 3q25.1.
Variant type: single nucleotide variant.
Coding change: c.548T>C on transcript NM_000096.4 (MANE Select); coding-DNA position 548, T replaced by C.
Protein change: p.Ile183Thr; replaces isoleucine 183 with threonine.
Molecular consequence: missense variant. On other transcripts: non-coding transcript variant (1).
Genome position (GRCh38, 1-based): chr3:149,210,226, A>G on the plus strand (T>C on the coding strand, the complement: CP is on the minus strand). VCF-style: chr3-149210226-A-G. GRCh37 (hg19) VCF-style: chr3-148928013-A-G.
Other names: I163T; short protein forms I183T.
Identifiers: ClinVar variation 42056 (VCV000042056.8), dbSNP rs386134123, ClinGen allele CA344489.

ClinVar aggregate classification (germline): Uncertain significance. Review status: criteria provided, single submitter (1 of 4 stars). 2 submissions from 2 submitters: Uncertain significance (1). 1 of the submissions does not count toward it. Last evaluated 2021-11-05.

Conditions:
Deficiency of ferroxidase (ACEP). Also called: NEURODEGENERATION WITH BRAIN IRON ACCUMULATION 10; Deficiency of ceruloplasmin; Ceruloplasmin deficiency; Familial apoceruloplasmin deficiency; Hereditary ceruloplasmin deficiency; Aceruloplasminemia. Identifiers: Orphanet 48818, MedGen C0878682, MONDO:0011426, OMIM 604290, HP:0025498.

Allele frequency attached by ClinVar (database versions not stated): TOPMed 0.00001; gnomAD 0.00001; gnomAD exomes 0.00004.
gnomAD v4.1: 55 of 1,613,960 alleles (0.0034%); highest among the groups gnomAD compares: South Asian, 0.0044%; no homozygotes.

Submissions (2):

Labcorp Genetics (formerly Invitae), Labcorp
Classification: Uncertain significance for Deficiency of ferroxidase. Last evaluated: 2021-11-05. Review status: criteria provided, single submitter. Criteria: Invitae Variant Classification Sherloc (09022015). Collection method: clinical testing. Allele origin: germline.
Comment: Algorithms developed to predict the effect of missense changes on protein structure and function (SIFT, PolyPhen-2, Align-GVGD) all suggest that this variant is likely to be disruptive. In summary, the available evidence is currently insufficient to determine the role of this variant in disease. Therefore, it has been classified as a Variant of Uncertain Significance. ClinVar contains an entry for this variant (Variation ID: 42056). This sequence change replaces isoleucine, which is neutral and non-polar, with threonine, which is neutral and polar, at codon 183 of the CP protein (p.Ile183Thr). This variant is present in population databases (rs386134123, gnomAD 0.0009%). This variant has not been reported in the literature in individuals affected with CP-related conditions.

GeneReviews
Classification: Pathogenic for Aceruloplasminemia. Last evaluated: 2013-04-18. Review status: no assertion criteria provided. Collection method: curation. Allele origin: unknown. Not counted in ClinVar's aggregate classification.
ClinVar note: Converted during submission from pathologic to Pathogenic.